The following is an entry in ClinVar:

ClinVar aggregate classification (germline): Uncertain significance (1 of 4 stars; one submission).

Conditions:
Primary ciliary dyskinesia. Also called: Ciliary dyskinesia. Identifiers: Orphanet 244, MedGen C0008780, MONDO:0016575, HP:0012265.

Submission:

Labcorp Genetics (formerly Invitae), Labcorp
Classification: Uncertain significance for Primary ciliary dyskinesia. Last evaluated: 2024-11-04. Review status: criteria provided, single submitter. Criteria: Invitae Variant Classification Sherloc (09022015). Collection method: clinical testing. Allele origin: germline.
Comment: This sequence change replaces arginine, which is basic and polar, with glycine, which is neutral and non-polar, at codon 61 of the DNAAF2 protein (p.Arg61Gly). This variant is not present in population databases (gnomAD no frequency). This variant has not been reported in the literature in individuals affected with DNAAF2-related conditions. ClinVar contains an entry for this variant (Variation ID: 2077775). Invitae Evidence Modeling of protein sequence and biophysical properties (such as structural, functional, and spatial information, amino acid conservation, physicochemical variation, residue mobility, and thermodynamic stability) indicates that this missense variant is expected to disrupt DNAAF2 protein function with a positive predictive value of 80%. Algorithms developed to predict the effect of sequence changes on RNA splicing suggest that this variant may create or strengthen a splice site. In summary, the available evidence is currently insufficient to determine the role of this variant in disease. Therefore, it has been classified as a Variant of Uncertain Significance.

NM_018139.3(DNAAF2):c.181C>G (p.Arg61Gly)

Gene: DNAAF2 (dynein axonemal assembly factor 2; minus strand). Cytogenetic location: 14q21.3.
Variant type: single nucleotide variant.
Coding change: c.181C>G on transcript NM_018139.3 (MANE Select); coding-DNA position 181, C replaced by G.
Protein change: p.Arg61Gly; replaces arginine 61 with glycine.
Molecular consequence: missense variant.
Genome position (GRCh38, 1-based): chr14:49,634,969, G>C on the plus strand (C>G on the coding strand, the complement: DNAAF2 is on the minus strand). VCF-style: chr14-49634969-G-C. GRCh37 (hg19) VCF-style: chr14-50101687-G-C.
Other names: c.181C>G, p.Arg61Gly (NM_001083908.2); short protein forms R61G.
Identifiers: ClinVar variation 2077775 (VCV002077775.3), dbSNP rs1253214739, ClinGen allele CA389632377.